The following is an entry in ClinVar:

NM_001367624.2(ZNF469):c.11164G>A (p.Ala3722Thr)

Gene: ZNF469 (zinc finger protein 469; plus strand). Cytogenetic location: 16q24.2.
Variant type: single nucleotide variant.
Coding change: c.11164G>A on transcript NM_001367624.2 (MANE Select); coding-DNA position 11164, G replaced by A.
Protein change: p.Ala3722Thr; replaces alanine 3722 with threonine.
Molecular consequence: missense variant.
Genome position (GRCh38, 1-based): chr16:88,438,634, G>A. VCF-style: chr16-88438634-G-A. GRCh37 (hg19) VCF-style: chr16-88505042-G-A.
Other names: NM_001127464.1:c.11080G>A; NM_001127464.2:c.11080G>A; short protein forms A3722T.
Identifiers: ClinVar variation 1031849 (VCV001031849.12), dbSNP rs549874193, ClinGen allele CA286387672.

ClinVar aggregate classification (germline): Conflicting classifications of pathogenicity. Review status: criteria provided, conflicting classifications (1 of 4 stars). 6 submissions from 6 submitters: Uncertain significance (5); Likely benign (1). Last evaluated 2025-05-01.

Conditions:
ZNF469-related disorder. Also called: ZNF469-related condition.
Ehlers-Danlos syndrome (EDS). Identifiers: Orphanet 98249, MedGen C0013720, MONDO:0020066.
Brittle cornea syndrome 1 (BCS1). Also called: Corneal fragility keratoglobus, blue sclerae AND joint hypermobility; CORNEAL FRAGILITY, KERATOGLOBUS, BLUE SCLERAE, JOINT HYPEREXTENSIBILITY; EDS6B; FRAGILITAS OCULI WITH JOINT HYPEREXTENSIBILITY; DYSGENESIS MESODERMALIS CORNEAE ET SCLERAE. Identifiers: Orphanet 90354, MedGen C0268344, MONDO:0024543, OMIM 229200.
Cardiovascular phenotype. Identifiers: MedGen CN230736.

Allele frequency attached by ClinVar (database versions not stated): gnomAD 0.00008; TOPMed 0.00014; 1000 Genomes Project 30x 0.00016; 1000 Genomes Project 0.00020.
gnomAD v4.1: 68 of 1,550,022 alleles (0.0044%); highest among the groups gnomAD compares: Admixed American, 0.049%; no homozygotes.

Submissions (6):

PreventionGenetics, part of Exact Sciences
Classification: Uncertain significance for ZNF469-related condition. Last evaluated: 2025-05-01. Review status: criteria provided, single submitter. Criteria: ACMG Guidelines, 2015. Collection method: clinical testing. Allele origin: germline.
Comment: The ZNF469 c.11080G>A variant is predicted to result in the amino acid substitution p.Ala3694Thr. To our knowledge, this variant has not been reported in the literature. This variant is reported in 0.075% of alleles in individuals of Latino descent in gnomAD. Although we suspect that this variant may be benign, at this time, the clinical significance of this variant is uncertain due to the absence of conclusive functional and genetic evidence.

Ambry Genetics
Classification: Likely benign for Cardiovascular phenotype. Last evaluated: 2024-03-21. Review status: criteria provided, single submitter. Criteria: Ambry Variant Classification Scheme 2023. Collection method: clinical testing. Allele origin: germline.

Labcorp Genetics (formerly Invitae), Labcorp
Classification: Uncertain significance. Last evaluated: 2022-05-17. Review status: criteria provided, single submitter. Criteria: Invitae Variant Classification Sherloc (09022015). Collection method: clinical testing. Allele origin: germline.
Comment: This sequence change replaces alanine, which is neutral and non-polar, with threonine, which is neutral and polar, at codon 3694 of the ZNF469 protein (p.Ala3694Thr). This variant is present in population databases (rs549874193, gnomAD 0.07%). This variant has not been reported in the literature in individuals affected with ZNF469-related conditions. ClinVar contains an entry for this variant (Variation ID: 1031849). Algorithms developed to predict the effect of missense changes on protein structure and function output the following: SIFT: "Tolerated"; PolyPhen-2: "Benign"; Align-GVGD: "Class C0". The threonine amino acid residue is found in multiple mammalian species, which suggests that this missense change does not adversely affect protein function. In summary, the available evidence is currently insufficient to determine the role of this variant in disease. Therefore, it has been classified as a Variant of Uncertain Significance.

Genome Diagnostics Laboratory, The Hospital for Sick Children
Classification: Uncertain significance for Ehlers-Danlos syndrome. Last evaluated: 2019-12-01. Review status: criteria provided, single submitter. Criteria: ACMG Guidelines, 2015. Collection method: clinical testing. Allele origin: germline.

Baylor Genetics
Classification: Uncertain significance for Brittle cornea syndrome 1. Last evaluated: 2018-05-15. Review status: criteria provided, single submitter. Criteria: ACMG Guidelines, 2015. Collection method: clinical testing. Allele origin: paternal. Affected: yes.
Comment: This variant was determined to be of uncertain significance according to ACMG Guidelines, 2015 [PMID:25741868].

Breakthrough Genomics
Classification: Uncertain significance. Review status: criteria provided, single submitter. Criteria: ACMG Guidelines, 2015. Collection method: not provided. Allele origin: germline. Inheritance: Autosomal recessive inheritance. Affected: yes.